The following is an entry in ClinVar:

NM_000303.3(PMM2):c.264A>C (p.Gln88His)

Gene: PMM2 (phosphomannomutase 2; plus strand). Cytogenetic location: 16p13.2.
Variant type: single nucleotide variant.
Coding change: c.264A>C on transcript NM_000303.3 (MANE Select); coding-DNA position 264, A replaced by C.
Protein change: p.Gln88His; replaces glutamine 88 with histidine.
Molecular consequence: missense variant.
Genome position (GRCh38, 1-based): chr16:8,806,324, A>C. VCF-style: chr16-8806324-A-C. GRCh37 (hg19) VCF-style: chr16-8900181-A-C.
Other names: c.264A>C (NM_000303.2); short protein forms Q88H.
Identifiers: ClinVar variation 2246598 (VCV002246598.5), dbSNP rs376597290, ClinGen allele CA7893990.

ClinVar aggregate classification (germline): Uncertain significance. Review status: criteria provided, multiple submitters, no conflicts (2 of 4 stars). 2 submissions from 2 submitters: Uncertain significance (2). Last evaluated 2022-08-05.

Conditions:
PMM2-congenital disorder of glycosylation. Also called: Congenital disorder of glycosylation, type Ia; CDG Ia; JAEKEN SYNDROME; PHOSPHOMANNOMUTASE 2 DEFICIENCY; CARBOHYDRATE-DEFICIENT GLYCOPROTEIN SYNDROME, TYPE Ia; PMM2-CDG. Identifiers: Orphanet 79318, MedGen C0349653, MONDO:0008907, OMIM 212065.
Inborn genetic diseases. Identifiers: MedGen C0950123, MeSH D030342.

Allele frequency attached by ClinVar (database versions not stated): ESP Exome Variant Server 0.00008.

Submissions (2):

Labcorp Genetics (formerly Invitae), Labcorp
Classification: Uncertain significance for PMM2-congenital disorder of glycosylation. Last evaluated: 2022-08-05. Review status: criteria provided, single submitter. Criteria: Invitae Variant Classification Sherloc (09022015). Collection method: clinical testing. Allele origin: germline.
Comment: This sequence change replaces glutamine, which is neutral and polar, with histidine, which is basic and polar, at codon 88 of the PMM2 protein (p.Gln88His). This variant is present in population databases (rs376597290, gnomAD 0.003%). This variant has not been reported in the literature in individuals affected with PMM2-related conditions. Algorithms developed to predict the effect of missense changes on protein structure and function (SIFT, PolyPhen-2, Align-GVGD) all suggest that this variant is likely to be tolerated. In summary, the available evidence is currently insufficient to determine the role of this variant in disease. Therefore, it has been classified as a Variant of Uncertain Significance.

Ambry Genetics
Classification: Uncertain significance for Inborn genetic diseases. Last evaluated: 2021-08-23. Review status: criteria provided, single submitter. Criteria: Ambry Variant Classification Scheme 2023. Collection method: clinical testing. Allele origin: germline.